The following is an entry in ClinVar:

NM_000143.4(FH):c.866T>C (p.Phe289Ser)

Gene: FH (fumarate hydratase; minus strand). Cytogenetic location: 1q43.
Variant type: single nucleotide variant.
Coding change: c.866T>C on transcript NM_000143.4 (MANE Select); coding-DNA position 866, T replaced by C.
Protein change: p.Phe289Ser; replaces phenylalanine 289 with serine.
Molecular consequence: missense variant.
Genome position (GRCh38, 1-based): chr1:241,506,041, A>G on the plus strand (T>C on the coding strand, the complement: FH is on the minus strand). VCF-style: chr1-241506041-A-G. GRCh37 (hg19) VCF-style: chr1-241669341-A-G.
Other names: short protein forms F289S.
Identifiers: ClinVar variation 1764243 (VCV001764243.7), dbSNP rs1189411374, ClinGen allele CA345438863.

ClinVar aggregate classification (germline): Uncertain significance. Review status: criteria provided, multiple submitters, no conflicts (2 of 4 stars). 2 submissions from 2 submitters: Uncertain significance (2). Last evaluated 2026-01-28.

Conditions:
Hereditary cancer-predisposing syndrome. Also called: Tumor predisposition; Hereditary Cancer Syndrome; Hereditary neoplastic syndrome; Neoplastic Syndromes, Hereditary. Identifiers: Orphanet 140162, MedGen C0027672, MeSH D009386, MONDO:0015356.

Allele frequency attached by ClinVar (database versions not stated): gnomAD exomes below 0.00001; gnomAD 0.00001; TOPMed 0.00001.

Submissions (2):

Ambry Genetics
Classification: Uncertain significance for Hereditary cancer-predisposing syndrome. Last evaluated: 2026-01-28. Review status: criteria provided, single submitter. Criteria: Ambry Variant Classification Scheme 2023. Collection method: clinical testing. Allele origin: germline.
Comment: The p.F289S variant (also known as c.866T>C), located in coding exon 6 of the FH gene, results from a T to C substitution at nucleotide position 866. The phenylalanine at codon 289 is replaced by serine, an amino acid with highly dissimilar properties. This amino acid position is highly conserved in available vertebrate species. In addition, this alteration is predicted to be deleterious by in silico analysis. Based on the available evidence, the clinical significance of this variant remains unclear.

Labcorp Genetics (formerly Invitae), Labcorp
Classification: Uncertain significance. Last evaluated: 2024-04-28. Review status: criteria provided, single submitter. Criteria: Invitae Variant Classification Sherloc (09022015). Collection method: clinical testing. Allele origin: germline.
Comment: This sequence change replaces phenylalanine, which is neutral and non-polar, with serine, which is neutral and polar, at codon 289 of the FH protein (p.Phe289Ser). This variant is present in population databases (no rsID available, gnomAD 0.1%). This variant has not been reported in the literature in individuals affected with FH-related conditions. ClinVar contains an entry for this variant (Variation ID: 1764243). Advanced modeling of protein sequence and biophysical properties (such as structural, functional, and spatial information, amino acid conservation, physicochemical variation, residue mobility, and thermodynamic stability) performed at Invitae indicates that this missense variant is expected to disrupt FH protein function with a positive predictive value of 95%. In summary, the available evidence is currently insufficient to determine the role of this variant in disease. Therefore, it has been classified as a Variant of Uncertain Significance.